The following is an entry in ClinVar:

ClinVar aggregate classification (germline): Pathogenic. Review status: criteria provided, multiple submitters, no conflicts (2 of 4 stars). 2 submissions from 2 submitters: Pathogenic (2). Last evaluated 2025-08-31.

Conditions:
Methylcobalamin deficiency type cblG (HMAG). Also called: Functional methionine synthase deficiency type cblG; HOMOCYSTINURIA-MEGALOBLASTIC ANEMIA, cblG TYPE; HOMOCYSTINURIA-MEGALOBLASTIC ANEMIA, cblG COMPLEMENTATION TYPE; HOMOCYSTINURIA-MEGALOBLASTIC ANEMIA DUE TO DEFECT IN COBALAMIN METABOLISM, cblG COMPLEMENTATION TYPE. Identifiers: Orphanet 2170, Orphanet 622, MedGen C1855128, MONDO:0009609, OMIM 250940.
MTR-related disorder. Also called: MTR-related condition.

Submissions (2):

Labcorp Genetics (formerly Invitae), Labcorp
Classification: Pathogenic for Methylcobalamin deficiency type cblG. Last evaluated: 2025-08-31. Review status: criteria provided, single submitter. Criteria: Invitae Variant Classification Sherloc (09022015). Collection method: clinical testing. Allele origin: germline.
Comment: This sequence change creates a premature translational stop signal (p.Ala935Lysfs*11) in the MTR gene. It is expected to result in an absent or disrupted protein product. Loss-of-function variants in MTR are known to be pathogenic (PMID: 9683607, 12068375). This variant is present in population databases (no rsID available, gnomAD 0.0009%). This premature translational stop signal has been observed in individual(s) with MTR-related conditions (PMID: 12068375). This variant is also known as c.2796-2800delAAGTC. ClinVar contains an entry for this variant (Variation ID: 2636752). For these reasons, this variant has been classified as Pathogenic.

PreventionGenetics, part of Exact Sciences
Classification: Pathogenic for MTR-related condition. Last evaluated: 2023-09-20. Review status: criteria provided, single submitter. Criteria: ACMG Guidelines, 2015. Collection method: clinical testing. Allele origin: germline.
Comment: The MTR c.2799_2803del5 variant is predicted to result in a frameshift and premature protein termination (p.Ala935Lysfs*11). This variant was reported in the compound heterozygous state along with a pathogenic variant in an individual with methionine synthase deficiency (Watkins. 2002. PubMed ID: 12068375). This variant is reported in 0.00088% of alleles in individuals of European (Non-Finnish) descent in gnomAD. Frameshift variants in MTR are expected to be pathogenic. This variant is interpreted as pathogenic.

Literature cited by the submitters: PubMed 9683607 (cited by Labcorp Genetics (formerly Invitae), Labcorp); PubMed 12068375 (cited by Labcorp Genetics (formerly Invitae), Labcorp).

NM_000254.3(MTR):c.2799_2803del (p.Ala935fs)

Gene: MTR (5-methyltetrahydrofolate-homocysteine methyltransferase; plus strand). Cytogenetic location: 1q43.
Variant type: Deletion.
Coding change: c.2799_2803del on transcript NM_000254.3 (MANE Select); coding-DNA positions 2799 to 2803, 5 bases deleted (TCAAG; older notation c.2799_2803delTCAAG).
Protein change: p.Ala935fs; shifts the reading frame from alanine 935.
Molecular consequence: frameshift variant.
Genome position (GRCh38, 1-based): chr1:236,886,315-236,886,319, TCAAG deleted; deleting any 5 consecutive bases within chr1:236,886,312-236,886,319 gives the same sequence; the c. name uses the placement nearest the transcript's 3' end. VCF-style (leftmost placement, unchanged base first): chr1-236886311-TAAGTC-T. GRCh37 (hg19) VCF-style: chr1-237049611-TAAGTC-T.
Other names: c.2646_2650del, p.Ala884fs (NM_001291939.1); c.1578_1582del, p.Ala528fs (NM_001291940.2); c.2610_2614del, p.Ala872fs (NM_001410942.1); short protein forms A528fs, A872fs, A884fs, A935fs.
Identifiers: ClinVar variation 2636752 (VCV002636752.4), dbSNP rs1176062955, ClinGen allele CA529534197.